The following is an entry in ClinVar:

ClinVar aggregate classification (germline): Pathogenic. Review status: criteria provided, multiple submitters, no conflicts (2 of 4 stars). 3 submissions from 3 submitters: Pathogenic (3). Last evaluated 2022-02-22.

Conditions:
Hereditary nonpolyposis colorectal neoplasms. Identifiers: MedGen C0009405, MeSH D003123.
Hereditary cancer-predisposing syndrome. Also called: Hereditary Cancer Syndrome; Hereditary neoplastic syndrome; Neoplastic Syndromes, Hereditary; Tumor predisposition. Identifiers: Orphanet 140162, MedGen C0027672, MeSH D009386, MONDO:0015356.

Submissions (3):

GeneDx
Classification: Pathogenic. Last evaluated: 2022-02-22. Review status: criteria provided, single submitter. Criteria: GeneDx Variant Classification Process June 2021. Collection method: clinical testing. Allele origin: germline. Affected: yes.
Comment: Frameshift variant predicted to result in protein truncation or nonsense mediated decay in a gene for which loss-of-function is a known mechanism of disease; Not observed at significant frequency in large population cohorts (gnomAD); Truncating variants in this gene are considered pathogenic by a well-established clinical consortium and/or database; Has not been previously published as pathogenic or benign to our knowledge

Ambry Genetics
Classification: Pathogenic for Hereditary cancer-predisposing syndrome. Last evaluated: 2018-04-26. Review status: criteria provided, single submitter. Criteria: Ambry Variant Classification Scheme 2023. Collection method: clinical testing. Allele origin: germline.
Comment: The c.1068delG pathogenic mutation, located in coding exon 10 of the PMS2 gene, results from a deletion of one nucleotide at nucleotide position 1068, causing a translational frameshift with a predicted alternate stop codon (p.T357Pfs*3). This alteration is expected to result in loss of function by premature protein truncation or nonsense-mediated mRNA decay. As such, this alteration is interpreted as a disease-causing mutation.

Labcorp Genetics (formerly Invitae), Labcorp
Classification: Pathogenic for Hereditary nonpolyposis colorectal neoplasms. Last evaluated: 2017-07-01. Review status: criteria provided, single submitter. Criteria: Invitae Variant Classification Sherloc (09022015). Collection method: clinical testing. Allele origin: germline.
Comment: This variant is not present in population databases (ExAC no frequency). For these reasons, this variant has been classified as Pathogenic. Loss-of-function variants in PMS2 are known to be pathogenic (PMID: 21376568, 24362816). This variant has not been reported in the literature in individuals with a PMS2-related disease. This sequence change creates a premature translational stop signal (p.Thr357Profs*3) in the PMS2 gene. It is expected to result in an absent or disrupted protein product.

Literature cited by the submitters: PubMed 21376568 (cited by Labcorp Genetics (formerly Invitae), Labcorp); PubMed 24362816 (cited by Labcorp Genetics (formerly Invitae), Labcorp).

NM_000535.7(PMS2):c.1068del (p.Thr357fs)

Gene: PMS2 (PMS1 homolog 2, mismatch repair system component; minus strand). Cytogenetic location: 7p22.1.
Variant type: Deletion.
Coding change: c.1068del on transcript NM_000535.7 (MANE Select); coding-DNA position 1068, one base deleted (G; older notation c.1068delG).
Protein change: p.Thr357fs; shifts the reading frame from threonine 357.
Molecular consequence: frameshift variant. On other transcripts: non-coding transcript variant (1), intron variant (2).
Genome position (GRCh38, 1-based): chr7:5,989,876, C deleted on the plus strand (G on the coding strand, the reverse complement: PMS2 is on the minus strand). VCF-style (leftmost placement, unchanged base first): chr7-5989875-TC-T. GRCh37 (hg19) VCF-style: chr7-6029506-TC-T.
Other names: c.1068delG (NM_000535.5); c.663del, p.Thr222fs (NM_001322003.2, NM_001322004.2, NM_001322005.2 and 1 more transcripts); c.750del, p.Thr251fs (NM_001322007.2, NM_001322008.2); c.135del, p.Thr46fs (NM_001322011.2, NM_001322012.2); c.495del, p.Thr166fs (NM_001322013.2); c.1068del, p.Thr357fs (NM_001322014.2); c.759del, p.Thr254fs (NM_001322015.2); c.583+2097del (NM_001322010.2); and 1 more; short protein forms T222fs, T46fs, T166fs, T251fs, T254fs, T357fs.
Identifiers: ClinVar variation 455637 (VCV000455637.10), dbSNP rs1554298741, ClinGen allele CA658655987.